The following is an entry in ClinVar:

NM_182914.3(SYNE2):c.5606dup (p.Ser1870fs)

Gene: SYNE2 (spectrin repeat containing nuclear envelope protein 2; plus strand). Cytogenetic location: 14q23.2.
Variant type: Duplication.
Coding change: c.5606dup on transcript NM_182914.3 (MANE Select); coding-DNA position 5606, one base duplicated (A; older notation c.5606dupA).
Protein change: p.Ser1870fs; shifts the reading frame from serine 1870.
Molecular consequence: frameshift variant.
Genome position (GRCh38, 1-based): chr14:64,022,832, A duplicated; the last of 6 consecutive A bases (chr14:64,022,827-64,022,832); duplicating any one gives the same sequence. VCF-style (leftmost placement, unchanged base first): chr14-64022826-C-CA. GRCh37 (hg19) VCF-style: chr14-64489544-C-CA.
Other names: c.5606dup, p.Ser1870fs (NM_015180.6); short protein forms S1870fs.
Identifiers: ClinVar variation 2857145 (VCV002857145.3), dbSNP rs2096946301, ClinGen allele CA963974382.
Genomic context (GRCh38, chr14:64,022,826, plus strand): 5'-TTAATGACTGGTTCAGCAACATTAAAGTGAACCTTAAGGAGTGTTTTGAATCATCAGAAA[C>CA]AAAAAAGAGTGTGGAACAAAAGCTACAAAAACTTTCTGTAAGAGATATATGTGTATTTTT-3'

ClinVar aggregate classification (germline): Uncertain significance (1 of 4 stars; one submission).

Conditions:
Emery-Dreifuss muscular dystrophy 5, autosomal dominant (EDMD5). Also called: EMERY-DREIFUSS MUSCULAR DYSTROPHY 5. Identifiers: Orphanet 261, MedGen C2751805, MONDO:0013072, OMIM 612999.

Submission:

Labcorp Genetics (formerly Invitae), Labcorp
Classification: Uncertain significance for Emery-Dreifuss muscular dystrophy 5, autosomal dominant. Last evaluated: 2024-01-29. Review status: criteria provided, single submitter. Criteria: Invitae Variant Classification Sherloc (09022015). Collection method: clinical testing. Allele origin: germline.
Comment: This sequence change creates a premature translational stop signal (p.Ser1870Glufs*11) in the SYNE2 gene. It is expected to result in an absent or disrupted protein product. However, the current clinical and genetic evidence is not sufficient to establish whether loss-of-function variants in SYNE2 cause disease. This variant is not present in population databases (gnomAD no frequency). This variant has not been reported in the literature in individuals affected with SYNE2-related conditions. In summary, the available evidence is currently insufficient to determine the role of this variant in disease. Therefore, it has been classified as a Variant of Uncertain Significance.